The following is an entry in ClinVar:

NM_005634.3(SOX3):c.966C>G (p.Asn322Lys)

Gene: SOX3 (SRY-box transcription factor 3; minus strand). Cytogenetic location: Xq27.1.
Variant type: single nucleotide variant.
Coding change: c.966C>G on transcript NM_005634.3 (MANE Select); coding-DNA position 966, C replaced by G.
Protein change: p.Asn322Lys; replaces asparagine 322 with lysine.
Molecular consequence: missense variant.
Genome position (GRCh38, 1-based): chrX:140,504,095, G>C on the plus strand (C>G on the coding strand, the complement: SOX3 is on the minus strand). VCF-style: chrX-140504095-G-C. GRCh37 (hg19) VCF-style: chrX-139586260-G-C.
Other names: short protein forms N322K.
Identifiers: ClinVar variation 2436257 (VCV002436257.4), dbSNP rs1039932116, ClinGen allele CA336480991.

ClinVar aggregate classification (germline): Uncertain significance. Review status: criteria provided, multiple submitters, no conflicts (2 of 4 stars). 2 submissions from 2 submitters: Uncertain significance (2). Last evaluated 2025-10-12.

Allele frequency attached by ClinVar (database versions not stated): gnomAD 0.00003; TOPMed 0.00005.

Submissions (2):

Labcorp Genetics (formerly Invitae), Labcorp
Classification: Uncertain significance. Last evaluated: 2025-10-12. Review status: criteria provided, single submitter. Criteria: Invitae Variant Classification Sherloc (09022015). Collection method: clinical testing. Allele origin: germline.
Comment: This sequence change replaces asparagine, which is neutral and polar, with lysine, which is basic and polar, at codon 322 of the SOX3 protein (p.Asn322Lys). This variant is present in population databases (no rsID available, gnomAD 0.005%). This variant has not been reported in the literature in individuals affected with SOX3-related conditions. ClinVar contains an entry for this variant (Variation ID: 2436257). Invitae Evidence Modeling of protein sequence and biophysical properties (such as structural, functional, and spatial information, amino acid conservation, physicochemical variation, residue mobility, and thermodynamic stability) indicates that this missense variant is not expected to disrupt SOX3 protein function with a negative predictive value of 80%. In summary, the available evidence is currently insufficient to determine the role of this variant in disease. Therefore, it has been classified as a Variant of Uncertain Significance.

Revvity Omics, Revvity
Classification: Uncertain significance. Last evaluated: 2021-10-20. Review status: criteria provided, single submitter. Criteria: ACMG Guidelines, 2015. Collection method: clinical testing. Allele origin: germline.